The following is an entry in ClinVar:

Conditions:
Breast-ovarian cancer, familial, susceptibility to, 1 (BROVCA1). Also called: BRCA1 Hereditary Breast and Ovarian Cancer; OVARIAN CANCER, SUSCEPTIBILITY TO. Identifiers: Orphanet 145, MedGen C2676676, MONDO:0011450, OMIM 604370. Disease mechanism: loss of function.

Submission:

Brotman Baty Institute, University of Washington
No classification provided (evidence only). Condition: Breast-ovarian cancer, familial 1. Review status: no classification provided. Collection method: in vitro. Allele origin: not applicable. Functional consequence: functionally_normal.
ClinVar note: "not provided" was previously submitted as the classification for the variant. However, the classification appeared to be based only on an observation of functional data so it was converted to no classification on 2025-07-30.

NM_007294.4(BRCA1):c.5084T>C (p.Phe1695Ser)

Gene: BRCA1 (BRCA1 DNA repair associated; minus strand). Cytogenetic location: 17q21.31.
Variant type: single nucleotide variant.
Coding change: c.5084T>C on transcript NM_007294.4 (MANE Select); coding-DNA position 5084, T replaced by C.
Protein change: p.Phe1695Ser; replaces phenylalanine 1695 with serine.
Molecular consequence: missense variant. On other transcripts: non-coding transcript variant (1).
Genome position (GRCh38, 1-based): chr17:43,063,942, A>G on the plus strand (T>C on the coding strand, the complement: BRCA1 is on the minus strand). VCF-style: chr17-43063942-A-G. GRCh37 (hg19) VCF-style: chr17-41215959-A-G.
Other names: c.4871T>C, p.Phe1624Ser (NM_001407571.1, NM_001407896.1, NM_001407897.1 and 12 more transcripts); c.5150T>C, p.Phe1717Ser (NM_001407581.1, NM_001407582.1); c.5147T>C, p.Phe1716Ser (NM_001407583.1, NM_001407585.1, NM_001407587.1 and 1 more transcripts); c.5144T>C, p.Phe1715Ser (NM_001407590.1, NM_001407591.1); c.5084T>C, p.Phe1695Ser (NM_001407593.1, NM_001407594.1, NM_001407596.1 and 7 more transcripts); c.5081T>C, p.Phe1694Ser (NM_001407610.1, NM_001407611.1, NM_001407612.1 and 17 more transcripts); c.5078T>C, p.Phe1693Ser (NM_001407627.1, NM_001407628.1, NM_001407629.1 and 14 more transcripts); c.5075T>C, p.Phe1692Ser (NM_001407644.1, NM_001407645.1); and 71 more; short protein forms F1695S, F1648S, F1716S, F591S, F1398S, F1605S, F1625S, F1651S.
Identifiers: ClinVar variation 869011 (VCV000869011.3), dbSNP rs2051933725, ClinGen allele CA10591353.